The following is an entry in ClinVar:

ClinVar aggregate classification (germline): Uncertain significance (1 of 4 stars; one submission).

Conditions:
Bloom syndrome (BLM). Also called: Bloom-Torre-Machacek syndrome. Identifiers: Orphanet 125, MedGen C0005859, MONDO:0008876, OMIM 210900.

gnomAD v4.1: 1 of 1,614,066 alleles (0.000062%); highest among the groups gnomAD compares: Non-Finnish European, 0.000085%; no homozygotes.

Submission:

Labcorp Genetics (formerly Invitae), Labcorp
Classification: Uncertain significance for Bloom syndrome. Last evaluated: 2024-10-10. Review status: criteria provided, single submitter. Criteria: Invitae Variant Classification Sherloc (09022015). Collection method: clinical testing. Allele origin: germline.
Comment: This sequence change replaces valine, which is neutral and non-polar, with glycine, which is neutral and non-polar, at codon 86 of the BLM protein (p.Val86Gly). This variant is not present in population databases (gnomAD no frequency). This variant has not been reported in the literature in individuals affected with BLM-related conditions. An algorithm developed to predict the effect of missense changes on protein structure and function outputs the following: PolyPhen-2: "Benign". The glycine amino acid residue is found in multiple mammalian species, which suggests that this missense change does not adversely affect protein function. In summary, the available evidence is currently insufficient to determine the role of this variant in disease. Therefore, it has been classified as a Variant of Uncertain Significance.

NM_000057.4(BLM):c.257T>G (p.Val86Gly)

Gene: BLM (BLM RecQ like helicase; plus strand). Cytogenetic location: 15q26.1.
Variant type: single nucleotide variant.
Coding change: c.257T>G on transcript NM_000057.4 (MANE Select); coding-DNA position 257, T replaced by G.
Protein change: p.Val86Gly; replaces valine 86 with glycine.
Molecular consequence: missense variant. On other transcripts: 5 prime UTR variant (1).
Genome position (GRCh38, 1-based): chr15:90,749,525, T>G. VCF-style: chr15-90749525-T-G. GRCh37 (hg19) VCF-style: chr15-91292755-T-G.
Other names: c.257T>G, p.Val86Gly (NM_001287246.2, NM_001287247.2); c.-1035T>G (NM_001287248.2); short protein forms V86G.
Identifiers: ClinVar variation 3722709 (VCV003722709.2).